The following is an entry in ClinVar:

NM_133510.4(RAD51B):c.12G>A (p.Lys4=)

Gene: RAD51B (RAD51 paralog B; plus strand). Cytogenetic location: 14q24.1.
Variant type: single nucleotide variant.
Coding change: c.12G>A on transcript NM_133510.4 (MANE Select); coding-DNA position 12, G replaced by A.
Protein change: p.Lys4=; no amino-acid change (lysine 4 retained).
Molecular consequence: synonymous variant. On other transcripts: 5 prime UTR variant (1).
Genome position (GRCh38, 1-based): chr14:67,823,555, G>A. VCF-style: chr14-67823555-G-A. GRCh37 (hg19) VCF-style: chr14-68290272-G-A.
Other names: c.12G>A, p.Lys4= (NM_001321809.2, NM_001321810.2, NM_001321812.1 and 6 more transcripts); c.-444G>A (NM_001321817.2).
Identifiers: ClinVar variation 5027762 (VCV005027762.1).

ClinVar aggregate classification (germline): Uncertain significance (1 of 4 stars; one submission).

gnomAD v4.1: 1 of 1,613,660 alleles (0.000062%); highest among the groups gnomAD compares: Non-Finnish European, 0.000085%; no homozygotes.

Submission:

Ambry Genetics
Classification: Uncertain significance. Last evaluated: 2026-06-18. Review status: criteria provided, single submitter. Criteria: Ambry Variant Classification Scheme 2023. Collection method: clinical testing. Allele origin: germline.
Comment: The c.12G>A variant (also known as p.K4K), located in coding exon 1 of the RAD51B gene, results from a G to A substitution at nucleotide position 12. This nucleotide substitution does not change the lysine at codon 4. This nucleotide position is highly conserved in available vertebrate species. In silico splice site analysis for this alteration is inconclusive. Based on the available evidence, the clinical significance of this variant remains unclear. The evidence for this gene-disease relationship is limited; therefore, the clinical significance of this alteration is unclear.